The following is an entry in ClinVar:

ClinVar aggregate classification (germline): Pathogenic (1 of 4 stars; one submission).

Submission:

GeneDx
Classification: Pathogenic. Last evaluated: 2016-09-20. Review status: criteria provided, single submitter. Criteria: GeneDx Variant Classification (06012015). Collection method: clinical testing. Allele origin: germline. Affected: yes.
Comment: The de novo H33Y pathogenic variant in the KCTD1 gene has not been reported previously as a pathogenic variant nor as a benign variant, to our knowledge. The H33Y variant was not observed in approximately 6,500 individuals of European and African American ancestry in the NHLBI Exome Sequencing Project, indicating it is not a common benign variant in these populations. The H33Y variant is a non-conservative amino acid substitution, which is likely to impact secondary protein structure as these residues differ in polarity, charge, size and/or other properties. This substitutionoccurs at a position in the BTB-domain that is conserved across species. All pathogenic KCTD1 variants reported with SEN syndrome to date have occurred within the BTB-domain, including other variants at the same residue (H33P and H33Q) and variants at nearby residues (A30E, P31L, P31R, and P31H) (Marneros et al., 2013). In silico analysis predicts this variant is probably damaging to the protein structure/function. We interpret H33Y as a pathogenic variant.

NM_001142730.3(KCTD1):c.1921C>T (p.His641Tyr)

Gene: KCTD1 (potassium channel tetramerization domain containing 1; minus strand). Cytogenetic location: 18q11.2.
Variant type: single nucleotide variant.
Coding change: c.1921C>T on transcript NM_001142730.3 (MANE Select); coding-DNA position 1921, C replaced by T.
Protein change: p.His641Tyr; replaces histidine 641 with tyrosine.
Molecular consequence: missense variant.
Genome position (GRCh38, 1-based): chr18:26,501,139, G>A on the plus strand (C>T on the coding strand, the complement: KCTD1 is on the minus strand). VCF-style: chr18-26501139-G-A. GRCh37 (hg19) VCF-style: chr18-24081103-G-A.
Other names: c.97C>T, p.His33Tyr (NM_001136205.2, NM_001258221.2, NM_001351443.1 and 1 more transcripts); c.121C>T, p.His41Tyr (NM_001258222.3); short protein forms H33Y, H41Y, H641Y.
Identifiers: ClinVar variation 280853 (VCV000280853.2), dbSNP rs886041986, ClinGen allele CA10603416.